The following is an entry in ClinVar:

NM_014633.5(CTR9):c.1114C>G (p.Pro372Ala)

Genes: CTR9 (CTR9 component of Paf1/RNA polymerase II complex; plus strand), LOC126861140 (CDK7 strongly-dependent group 2 enhancer GRCh37_chr11:10785333-10786532; plus strand). Cytogenetic location: 11p15.4.
Variant type: single nucleotide variant.
Coding change: c.1114C>G on transcript NM_014633.5 (MANE Select); coding-DNA position 1114, C replaced by G.
Protein change: p.Pro372Ala; replaces proline 372 with alanine.
Molecular consequence: missense variant.
Genome position (GRCh38, 1-based): chr11:10,763,799, C>G. VCF-style: chr11-10763799-C-G. GRCh37 (hg19) VCF-style: chr11-10785346-C-G.
Other names: c.1114C>G, p.Pro372Ala (NM_001346279.2); short protein forms P372A.
Identifiers: ClinVar variation 4809006 (VCV004809006.1).

ClinVar aggregate classification (germline): Uncertain significance (1 of 4 stars; one submission).

Submission:

Labcorp Genetics (formerly Invitae), Labcorp
Classification: Uncertain significance. Last evaluated: 2025-03-05. Review status: criteria provided, single submitter. Criteria: Invitae Variant Classification Sherloc (09022015). Collection method: clinical testing. Allele origin: germline.
Comment: This sequence change replaces proline, which is neutral and non-polar, with alanine, which is neutral and non-polar, at codon 372 of the CTR9 protein (p.Pro372Ala). This variant is not present in population databases (gnomAD no frequency). This variant has not been reported in the literature in individuals affected with CTR9-related conditions. An algorithm developed to predict the effect of missense changes on protein structure and function (PolyPhen-2) suggests that this variant is likely to be disruptive. In summary, the available evidence is currently insufficient to determine the role of this variant in disease. Therefore, it has been classified as a Variant of Uncertain Significance.